The following is an entry in ClinVar:

NM_170784.3(MKKS):c.1689A>T (p.Ser563=)

Gene: MKKS (MKKS centrosomal shuttling protein; minus strand). Cytogenetic location: 20p12.2.
Variant type: single nucleotide variant.
Coding change: c.1689A>T on transcript NM_170784.3 (MANE Select); coding-DNA position 1689, A replaced by T.
Protein change: p.Ser563=; no amino-acid change (serine 563 retained).
Molecular consequence: synonymous variant. On other transcripts: non-coding transcript variant (1).
Genome position (GRCh38, 1-based): chr20:10,405,271, T>A on the plus strand (A>T on the coding strand, the complement: MKKS is on the minus strand). VCF-style: chr20-10405271-T-A. GRCh37 (hg19) VCF-style: chr20-10385919-T-A.
Other names: c.1689A>T, p.Ser563= (NM_018848.3).
Identifiers: ClinVar variation 1107214 (VCV001107214.12), dbSNP rs147688404, ClinGen allele CA9763442.

ClinVar aggregate classification (germline): Likely benign. Review status: criteria provided, multiple submitters, no conflicts (2 of 4 stars). 3 submissions from 3 submitters: Likely benign (2). 1 of the submissions does not count toward it. Last evaluated 2026-01-14.

Conditions:
MKKS-related disorder. Also called: MKKS-related condition; MKKS-related disorders.
Bardet-Biedl syndrome (BBS). Identifiers: Orphanet 110, MedGen C0752166, MONDO:0015229.
McKusick-Kaufman syndrome (MKKS). Also called: HYDROMETROCOLPOS SYNDROME; HYDROMETROCOLPOS, POSTAXIAL POLYDACTYLY, AND CONGENITAL HEART MALFORMATION. Identifiers: Orphanet 2473, MedGen C0948368, MONDO:0009367, OMIM 236700.

Allele frequency attached by ClinVar (database versions not stated): ESP Exome Variant Server 0.00023.
gnomAD v4.1: 208 of 1,612,864 alleles (0.013%); highest among the groups gnomAD compares: Admixed American, 0.13%; no homozygotes.

Submissions (3):

Labcorp Genetics (formerly Invitae), Labcorp
Classification: Likely benign for McKusick-Kaufman syndrome; Bardet-Biedl syndrome. Last evaluated: 2026-01-14. Review status: criteria provided, single submitter. Criteria: Invitae Variant Classification Sherloc (09022015). Collection method: clinical testing. Allele origin: germline.

Blueprint Genetics
Classification: Likely benign. Last evaluated: 2023-07-19. Review status: criteria provided, single submitter. Criteria: ACMG Guidelines, 2015. Collection method: clinical testing. Allele origin: germline.

PreventionGenetics, part of Exact Sciences
Classification: Likely benign for MKKS-related condition. Last evaluated: 2019-10-18. Review status: no assertion criteria provided. Collection method: clinical testing. Allele origin: germline. Not counted in ClinVar's aggregate classification.
Comment: This variant is classified as likely benign based on ACMG/AMP sequence variant interpretation guidelines (Richards et al. 2015 PMID: 25741868, with internal and published modifications).